The following is an entry in ClinVar:

ClinVar aggregate classification (germline): Conflicting classifications of pathogenicity. Review status: criteria provided, conflicting classifications (1 of 4 stars). 11 submissions from 6 submitters: Uncertain significance (6); Likely benign (5). Last evaluated 2025-09-17.

Conditions:
Charcot-Marie-Tooth disease. Also called: Charcot-Marie-Tooth Neuropathy; Charcot-Marie-Tooth Hereditary Neuropathy. Identifiers: Orphanet 166, MedGen C0007959, MONDO:0015626.
Scapuloperoneal spinal muscular atrophy (SPSMA). Also called: Scapuloperoneal Spinal Muscular Atrophy, TRPV4-Related; AMYOTROPHY, NEUROGENIC SCAPULOPERONEAL, NEW ENGLAND TYPE; Scapuloperoneal Form of Spinal Muscular Atrophy; Scapuloperoneal spinal muscular atrophy, autosomal dominant. Identifiers: Orphanet 431255, MedGen C0751335, MONDO:0008408, OMIM 181405.
Neuronopathy, distal hereditary motor, autosomal dominant 8. Also called: Autosomal dominant congenital benign spinal muscular atrophy; NEURONOPATHY, DISTAL HEREDITARY MOTOR, TYPE VIII; NEUROPATHY, DISTAL HEREDITARY MOTOR, TYPE VIII; SPINAL MUSCULAR ATROPHY, CONGENITAL BENIGN, WITH CONTRACTURES. Identifiers: Orphanet 1216, MedGen C1838492, MONDO:0010839, OMIM 600175.
Inborn genetic diseases. Identifiers: MedGen C0950123, MeSH D030342.
Charcot-Marie-Tooth disease axonal type 2C (HMSN2C). Also called: Charcot-Marie-Tooth Disease Type 2, TRPV4-Related (CMT2C); CHARCOT-MARIE-TOOTH DISEASE, AXONAL, AUTOSOMAL DOMINANT, TYPE 2C; Charcot-Marie-Tooth Neuropathy Type 2C. Identifiers: Orphanet 99937, MedGen C1853710, MONDO:0011633, OMIM 606071.
Spondylometaphyseal dysplasia, Kozlowski type (SMDK). Also called: Spondylometaphyseal Dysplasia, TRPV4-Related (Kozlowski Type); Dysmorphism arthrogryposis skeletal maturation advanced; Jequier-Kozlowski syndrome; Skeletal dysplasia Jequier-Kozlowski type; SMD Kozlowski type. Identifiers: Orphanet 93314, MedGen C0265280, MONDO:0008477, OMIM 184252.
Metatropic dysplasia (MTD). Also called: Metatropic Dysplasia, TRPV4-Related; Metatropic dysplasia, nonlethal dominant; METATROPIC DWARFISM. Identifiers: Orphanet 2635, MedGen C0265281, MONDO:0007986, OMIM 156530.
Brachyrachia (short spine dysplasia) (BCYM3). Also called: Brachyolmia, TRPV4-Related; Brachyolmia Type 3; Autosomal dominant brachyolmia; BRACHYRACHIA. Identifiers: Orphanet 93304, MedGen C0432227, MONDO:0007232, OMIM 113500.

Allele frequency attached by ClinVar (database versions not stated): gnomAD 0.00001 and 0.00002; ExAC 0.00002; gnomAD exomes 0.00002 and 0.00005; TOPMed 0.00002.
gnomAD v4.1: 77 of 1,613,726 alleles (0.0048%); highest among the groups gnomAD compares: Non-Finnish European, 0.0064%; no homozygotes.

Submissions (11):

Labcorp Genetics (formerly Invitae), Labcorp
Classification: Uncertain significance for Charcot-Marie-Tooth disease axonal type 2C. Last evaluated: 2025-09-17. Review status: criteria provided, single submitter. Criteria: Invitae Variant Classification Sherloc (09022015). Collection method: clinical testing. Allele origin: germline.
Comment: This sequence change replaces tyrosine, which is neutral and polar, with phenylalanine, which is neutral and non-polar, at codon 567 of the TRPV4 protein (p.Tyr567Phe). This variant is present in population databases (rs763889344, gnomAD 0.004%). This variant has not been reported in the literature in individuals affected with TRPV4-related conditions. ClinVar contains an entry for this variant (Variation ID: 521669). Invitae Evidence Modeling of protein sequence and biophysical properties (such as structural, functional, and spatial information, amino acid conservation, physicochemical variation, residue mobility, and thermodynamic stability) has been performed for this missense variant. However, the output from this modeling did not meet the statistical confidence thresholds required to predict the impact of this variant on TRPV4 protein function. Algorithms developed to predict the effect of sequence changes on RNA splicing suggest that this variant may create or strengthen a splice site. In summary, the available evidence is currently insufficient to determine the role of this variant in disease. Therefore, it has been classified as a Variant of Uncertain Significance.

Ambry Genetics
Classification: Uncertain significance for Inborn genetic diseases. Last evaluated: 2025-06-22. Review status: criteria provided, single submitter. Criteria: Ambry Variant Classification Scheme 2023. Collection method: clinical testing. Allele origin: germline.
Comment: The c.1700A>T (p.Y567F) alteration is located in exon 11 (coding exon 10) of the TRPV4 gene. This alteration results from a A to T substitution at nucleotide position 1700, causing the tyrosine (Y) at amino acid position 567 to be replaced by a phenylalanine (F). The heterozygous missense change is ultra rare in healthy individuals: Based on data from the NHLBI Exome Sequencing Project (ESP), the TRPV4 c.1700A>T alteration was not observed among 6489 total alleles studied. Allele frequency data for this nucleotide position are not currently available from the 1000 Genomes Project. Based on data from the Exome Aggregation Consortium (ExAC), the c,1700A>T allele has an overall frequency of approximately 0.0017% (2/120562) of total alleles studied, having been observed in 0.003% (2/66258) European (non-Finnish) alleles. Rare missense alleles commonly exhibit a deleterious effect on protein function (Kryukov, 2007; Tennessen, 2012; please note that some variants may appear to be rare due to ethnic underrepresentation in the database). IF USED, PULL THESE INTO REFERENCES: Kryukov GV, et al. (2007) Am J Hum Genet 80:727-739. Tennessen JA, et al. (2012) Science 337(64):64-69. The altered amino acid is conserved throughout evolution: The p.Y567 amino acid is completely conserved in available vertebrate species. In silico prediction is conflicting: The p.Y567F alteration is predicted to be probably damaging by Polyphen and tolerated by SIFT in silico analyses. Based on insufficient or conflicting evidence, the clinical significance of this alteration remains unclear.

Blueprint Genetics
Classification: Uncertain significance. Last evaluated: 2021-11-17. Review status: criteria provided, single submitter. Criteria: ACMG Guidelines, 2015. Collection method: clinical testing. Allele origin: germline.

GeneDx
Classification: Uncertain significance. Last evaluated: 2021-06-16. Review status: criteria provided, single submitter. Criteria: GeneDx Variant Classification Process June 2021. Collection method: clinical testing. Allele origin: germline. Affected: yes.
Comment: Has not been previously published as pathogenic or benign to our knowledge; In-silico analysis, which includes splice predictors and evolutionary conservation, is inconclusive as to whether the variant alters gene splicing. In the absence of RNA/functional studies, the actual effect of this sequence change is unknown.; In silico analysis supports that this missense variant has a deleterious effect on protein structure/function; This variant is associated with the following publications: (PMID: 23306656)

Illumina Laboratory Services, Illumina
Classification: Likely benign for Neuronopathy, distal hereditary motor, autosomal dominant 8. Last evaluated: 2018-01-13. Review status: criteria provided, single submitter. Criteria: ICSL Variant Classification Criteria 13 December 2019. Collection method: clinical testing. Allele origin: germline.
Comment: This variant was observed in the ICSL laboratory as part of a predisposition screen in an ostensibly healthy population. It had not been previously curated by ICSL or reported in the Human Gene Mutation Database (HGMD: prior to June 1st, 2018), and was therefore a candidate for classification through an automated scoring system. Utilizing variant allele frequency, disease prevalence and penetrance estimates, and inheritance mode, an automated score was calculated to assess if this variant is too frequent to cause the disease. Based on the score and internal cut-off values, a variant classified as likely benign is not then subjected to further curation. The score for this variant resulted in a classification of likely benign for this disease.

Illumina Laboratory Services, Illumina
Classification: Likely benign for Spondylometaphyseal dysplasia, Kozlowski type. Last evaluated: 2018-01-13. Review status: criteria provided, single submitter. Criteria: ICSL Variant Classification Criteria 13 December 2019. Collection method: clinical testing. Allele origin: germline.
Comment: the same text as in the submission from Illumina Laboratory Services, Illumina above.

Illumina Laboratory Services, Illumina
Classification: Uncertain significance for Charcot-Marie-Tooth disease axonal type 2C. Last evaluated: 2018-01-13. Review status: criteria provided, single submitter. Criteria: ICSL Variant Classification Criteria 13 December 2019. Collection method: clinical testing. Allele origin: germline.

Illumina Laboratory Services, Illumina
Classification: Likely benign for Scapuloperoneal spinal muscular atrophy. Last evaluated: 2018-01-13. Review status: criteria provided, single submitter. Criteria: ICSL Variant Classification Criteria 13 December 2019. Collection method: clinical testing. Allele origin: germline.
Comment: the same text as in the submission from Illumina Laboratory Services, Illumina above.

Illumina Laboratory Services, Illumina
Classification: Likely benign for Metatropic dysplasia. Last evaluated: 2018-01-13. Review status: criteria provided, single submitter. Criteria: ICSL Variant Classification Criteria 13 December 2019. Collection method: clinical testing. Allele origin: germline.
Comment: the same text as in the submission from Illumina Laboratory Services, Illumina above.

Illumina Laboratory Services, Illumina
Classification: Likely benign for Brachyrachia (short spine dysplasia). Last evaluated: 2018-01-13. Review status: criteria provided, single submitter. Criteria: ICSL Variant Classification Criteria 13 December 2019. Collection method: clinical testing. Allele origin: germline.
Comment: the same text as in the submission from Illumina Laboratory Services, Illumina above.

Molecular Genetics Laboratory, London Health Sciences Centre
Classification: Uncertain significance for Charcot-Marie-Tooth disease. Review status: criteria provided, single submitter. Criteria: ACMG Guidelines, 2015. Collection method: clinical testing. Allele origin: germline. Affected: yes.

NM_021625.5(TRPV4):c.1700A>T (p.Tyr567Phe)

Gene: TRPV4 (transient receptor potential cation channel subfamily V member 4; minus strand). Cytogenetic location: 12q24.11.
Variant type: single nucleotide variant.
Coding change: c.1700A>T on transcript NM_021625.5 (MANE Select); coding-DNA position 1700, A replaced by T.
Protein change: p.Tyr567Phe; replaces tyrosine 567 with phenylalanine.
Molecular consequence: missense variant.
Genome position (GRCh38, 1-based): chr12:109,792,776, T>A on the plus strand (A>T on the coding strand, the complement: TRPV4 is on the minus strand). VCF-style: chr12-109792776-T-A. GRCh37 (hg19) VCF-style: chr12-110230581-T-A.
Other names: c.1559A>T, p.Tyr520Phe (NM_001177428.2); c.1598A>T, p.Tyr533Phe (NM_001177431.2); c.1379A>T, p.Tyr460Phe (NM_001177433.2); c.1520A>T, p.Tyr507Phe (NM_147204.3); short protein forms Y567F, Y507F, Y533F, Y460F, Y520F.
Identifiers: ClinVar variation 521669 (VCV000521669.17), dbSNP rs763889344, ClinGen allele CA6780113.